The following is an entry in ClinVar:

ClinVar aggregate classification (germline): Benign/Likely benign. Review status: criteria provided, multiple submitters, no conflicts (2 of 4 stars). 6 submissions from 6 submitters: Benign (1); Likely benign (3). 2 of the submissions do not count toward it. Last evaluated 2026-01-18.

Conditions:
Vitreoretinopathy. Also called: Vitreoretinal degeneration. Identifiers: MedGen C0344290, MONDO:0020248, HP:0007773.

Allele frequency attached by ClinVar (database versions not stated): TOPMed 0.00009; gnomAD 0.00011 and 0.00013; ESP Exome Variant Server 0.00023; 1000 Genomes Project 30x 0.00047; 1000 Genomes Project 0.00060; gnomAD exomes 0.00011; ExAC 0.00017.
gnomAD v4.1: 230 of 1,613,758 alleles (0.014%); highest among the groups gnomAD compares: Middle Eastern, 0.38%; 2 homozygotes.

Submissions (6):

Labcorp Genetics (formerly Invitae), Labcorp
Classification: Likely benign. Last evaluated: 2026-01-18. Review status: criteria provided, single submitter. Criteria: Invitae Variant Classification Sherloc (09022015). Collection method: clinical testing. Allele origin: germline.

Blueprint Genetics
Classification: Likely benign. Last evaluated: 2024-08-02. Review status: criteria provided, single submitter. Criteria: ACMG Guidelines, 2015. Collection method: clinical testing. Allele origin: germline.

Illumina Laboratory Services, Illumina
Classification: Benign for Vitreoretinopathy. Last evaluated: 2018-01-13. Review status: criteria provided, single submitter. Criteria: ICSL Variant Classification Criteria 13 December 2019. Collection method: clinical testing. Allele origin: germline.
Comment: This variant was observed in the ICSL laboratory as part of a predisposition screen in an ostensibly healthy population. It had not been previously curated by ICSL or reported in the Human Gene Mutation Database (HGMD: prior to June 1st, 2018), and was therefore a candidate for classification through an automated scoring system. Utilizing variant allele frequency, disease prevalence and penetrance estimates, and inheritance mode, an automated score was calculated to assess if this variant is too frequent to cause the disease. Based on the score and internal cut-off values, a variant classified as benign is not then subjected to further curation. The score for this variant resulted in a classification of benign for this disease.

Breakthrough Genomics
Classification: Likely benign. Review status: criteria provided, single submitter. Criteria: ACMG Guidelines, 2015. Collection method: not provided. Allele origin: germline. Inheritance: Autosomal dominant inheritance. Affected: yes.

Clinical Genetics DNA and cytogenetics Diagnostics Lab, Erasmus MC, Erasmus Medical Center
Classification: Likely benign. Review status: no assertion criteria provided. Collection method: clinical testing. Allele origin: germline. Affected: yes. Study: VKGL Data-share Consensus. Not counted in ClinVar's aggregate classification.

Clinical Genetics, Academic Medical Center
Classification: Benign. Review status: no assertion criteria provided. Collection method: clinical testing. Allele origin: germline. Affected: yes. Study: VKGL Data-share Consensus. Not counted in ClinVar's aggregate classification.

NM_004385.5(VCAN):c.7581C>T (p.Phe2527=)

Genes: VCAN (versican; plus strand), VCAN-AS1 (VCAN antisense RNA 1; minus strand). Cytogenetic location: 5q14.3.
Variant type: single nucleotide variant.
Coding change: c.7581C>T on transcript NM_004385.5 (MANE Select); coding-DNA position 7581, C replaced by T.
Protein change: p.Phe2527=; no amino-acid change (phenylalanine 2527 retained).
Molecular consequence: synonymous variant. On other transcripts: intron variant (2).
Genome position (GRCh38, 1-based): chr5:83,540,584, C>T. VCF-style: chr5-83540584-C-T. GRCh37 (hg19) VCF-style: chr5-82836403-C-T.
Other names: c.4620C>T, p.Phe1540= (NM_001164097.2); c.4004-4953C>T (NM_001164098.2); c.1043-4953C>T (NM_001126336.3).
Identifiers: ClinVar variation 354445 (VCV000354445.19), dbSNP rs149880697, ClinGen allele CA3333665.
Genomic context (GRCh38, chr5:83,540,584, plus strand): 5'-AAATACAGTGTCATATGAGAGGTCCACAGACGGTAGTTTCCAAGACCGTTTCAGGGAATT[C>T]GAGGATTCCACCTTAAAACCTAACAGAAAAAAACCCACTGAAAATATTATCATAGACCTG-3'
Protein context (NP_004376.2, residues 2517-2537): DGSFQDRFRE[Phe2527=]EDSTLKPNRK